The following is an entry in ClinVar:

NM_001387690.1(KATNAL2):c.1403T>C (p.Ile468Thr)

Gene: KATNAL2 (katanin catalytic subunit A1 like 2; plus strand). Cytogenetic location: 18q21.1.
Variant type: single nucleotide variant.
Coding change: c.1403T>C on transcript NM_001387690.1 (MANE Select); coding-DNA position 1403, T replaced by C.
Protein change: p.Ile468Thr; replaces isoleucine 468 with threonine.
Molecular consequence: missense variant. On other transcripts: non-coding transcript variant (1).
Genome position (GRCh38, 1-based): chr18:47,100,282, T>C. VCF-style: chr18-47100282-T-C. GRCh37 (hg19) VCF-style: chr18-44626653-T-C.
Other names: c.1481T>C, p.Ile494Thr (NM_001353899.1); c.1478T>C, p.Ile493Thr (NM_001353900.1); c.1070T>C, p.Ile357Thr (NM_001353903.1); c.971T>C, p.Ile324Thr (NM_001353904.1); c.1403T>C, p.Ile468Thr (NM_001367621.1); c.1187T>C, p.Ile396Thr (NM_031303.3); short protein forms I324T, I357T, I396T, I468T, I493T, I494T.
Identifiers: ClinVar variation 2632757 (VCV002632757.1), dbSNP rs2511789643, ClinGen allele CA402393474.

ClinVar aggregate classification (germline): Uncertain significance (1 of 4 stars; one submission).

Conditions:
KATNAL2-related disorder. Also called: KATNAL2-related condition.

gnomAD v4.1: 1 of 1,614,116 alleles (0.000062%); highest among the groups gnomAD compares: Non-Finnish European, 0.000085%; no homozygotes.

Submission:

PreventionGenetics, part of Exact Sciences
Classification: Uncertain significance for KATNAL2-related condition. Last evaluated: 2023-05-27. Review status: criteria provided, single submitter. Criteria: ACMG Guidelines, 2015. Collection method: clinical testing. Allele origin: germline.
Comment: The KATNAL2 c.1187T>C variant is predicted to result in the amino acid substitution p.Ile396Thr. To our knowledge, this variant has not been reported in the literature or in a large population database, indicating this variant is rare. At this time, the clinical significance of this variant is uncertain due to the absence of conclusive functional and genetic evidence.